The following is an entry in ClinVar:

NM_015443.4(KANSL1):c.2257G>A (p.Asp753Asn)

Gene: KANSL1 (KAT8 regulatory NSL complex subunit 1). Cytogenetic location: 17q21.31.
Variant type: single nucleotide variant.
Coding change: c.2257G>A on transcript NM_015443.4 (MANE Select); coding-DNA position 2257, G replaced by A.
Protein change: p.Asp753Asn; replaces aspartic acid 753 with asparagine.
Molecular consequence: missense variant. On other transcripts: intron variant (8).
Genome position (GRCh38, 1-based): chr17:46,039,162, C>T on the plus strand (G>A on the coding strand, the complement: KANSL1 is on the minus strand). VCF-style: chr17-46039162-C-T. GRCh37 (hg19) VCF-style: chr17-44116528-C-T.
Other names: c.2204-476G>A (NM_001405877.1, NM_001405876.1, NM_001405879.1 and 3 more transcripts); c.2257G>A, p.Asp753Asn (NM_001193465.2, NM_001193466.2, NM_001379198.1 and 8 more transcripts); c.2155G>A, p.Asp719Asn (NM_001405859.1, NM_001405860.1, NM_001405861.1 and 1 more transcripts); c.991G>A, p.Asp331Asn (NM_001405882.1, NM_001405883.1); c.938-476G>A (NM_001405885.1, NM_001405884.1); short protein forms D331N, D719N, D753N.
Identifiers: ClinVar variation 4681260 (VCV004681260.6).
Genomic context (GRCh38, chr17:46,039,162, plus strand): 5'-TGAGCAAGCGCTCTGCTTTTGGCGCTGTCACTCGCTCCACCATGGGCACGGCCCCCACAT[C>T]GTCTAAGTGCTGCCTGTGGGTCCTGTCAGGCCGGGTTTGGTGATGGGACAGCTCTGAAGA-3'
Protein context (NP_056258.1, residues 743-763): PDRTHRQHLD[Asp753Asn]VGAVPMVERV

ClinVar aggregate classification (germline): Uncertain significance. Review status: criteria provided, multiple submitters, no conflicts (2 of 4 stars). 2 submissions from 2 submitters: Uncertain significance (2). Last evaluated 2025-12-01.

Conditions:
Koolen-de Vries syndrome (KDVS). Identifiers: Orphanet 96169, MedGen C1864871, MONDO:0012496, OMIM 610443.

gnomAD v4.1: 4 of 1,609,196 alleles (0.00025%); highest among the groups gnomAD compares: Non-Finnish European, 0.00034%; no homozygotes.

Submissions (2):

CeGaT Center for Human Genetics Tuebingen
Classification: Uncertain significance. Last evaluated: 2025-12-01. Review status: criteria provided, single submitter. Criteria: CeGaT Center For Human Genetics Tuebingen Variant Classification Criteria Version 2. Collection method: clinical testing. Allele origin: germline. Affected: yes. Observed: 1 variant allele.

Labcorp Genetics (formerly Invitae), Labcorp
Classification: Uncertain significance for Koolen-de Vries syndrome. Last evaluated: 2025-12-01. Review status: criteria provided, single submitter. Criteria: Invitae Variant Classification Sherloc (09022015). Collection method: clinical testing. Allele origin: germline.
Comment: This sequence change replaces aspartic acid, which is acidic and polar, with asparagine, which is neutral and polar, at codon 753 of the KANSL1 protein (p.Asp753Asn). This variant is not present in population databases (gnomAD no frequency). This variant has not been reported in the literature in individuals affected with KANSL1-related conditions. Invitae Evidence Modeling of protein sequence and biophysical properties (such as structural, functional, and spatial information, amino acid conservation, physicochemical variation, residue mobility, and thermodynamic stability) indicates that this missense variant is not expected to disrupt KANSL1 protein function with a negative predictive value of 80%. In summary, the available evidence is currently insufficient to determine the role of this variant in disease. Therefore, it has been classified as a Variant of Uncertain Significance.